The following is an entry in ClinVar:

ClinVar aggregate classification (germline): Likely benign. Review status: reviewed by expert panel (3 of 4 stars). 3 submissions from 3 submitters: Likely benign (1). 2 of the submissions do not count toward it. Last evaluated 2024-09-10.

Conditions:
Hereditary thrombocytopenia and hematological cancer predisposition syndrome associated with RUNX1. Also called: Familial Platelet Disorder with Propensity to Acute Myelogenous Leukemia; Familial thrombocytopenia with propensity to acute myelogenous leukemia; RUNX1 Familial Platelet Disorder with Associated Myeloid Malignancies; PLATELET DISORDER, ASPIRIN-LIKE. Identifiers: Orphanet 71290, MedGen C1832388, MeSH C563324, MONDO:0100083, OMIM 601399.
Hereditary thrombocytopenia and hematologic cancer predisposition syndrome. Identifiers: Orphanet 71290, MedGen CN281654, MONDO:0011071.
Inborn genetic diseases. Identifiers: MedGen C0950123, MeSH D030342.

Submissions (3):

ClinGen Myeloid Malignancy Variant Curation Expert Panel
Classification: Likely benign for Hereditary thrombocytopenia and hematologic cancer predisposition syndrome. Last evaluated: 2024-09-10. Review status: reviewed by expert panel. Criteria: ClinGen MyeloMalig ACMG Specifications v2. Collection method: curation. Allele origin: germline. Inheritance: Autosomal dominant inheritance.
Comment: NM_001754.5(RUNX1):c.627A>G (p.Lys209=) is a synonymous variant. This variant is completely absent from all population databases with at least 20x coverage for RUNX1 in gnomAD v2.1.1 and v4.0 (PM2_supporting). SpliceAI predicts no impact on splicing (score: 0.00) (BP4). Evolutionary conservation algorithms predict the site as not being conserved (PhyloP score 1.57) (BP7). In summary, this variant meets criteria to be classified as likely benign. ACMG/AMP criteria applied, as specified by the Myeloid Malignancy Variant Curation Expert Panel for RUNX1: PM2_supporting, BP4, BP7.

Ambry Genetics
Classification: Likely benign for Inborn genetic diseases. Last evaluated: 2026-08-16. Review status: criteria provided, single submitter. Criteria: Ambry Variant Classification Scheme 2023. Collection method: clinical testing. Allele origin: germline. Not counted in ClinVar's aggregate classification.

Labcorp Genetics (formerly Invitae), Labcorp
Classification: Likely benign for Hereditary thrombocytopenia and hematological cancer predisposition syndrome associated with RUNX1. Last evaluated: 2025-07-16. Review status: criteria provided, single submitter. Criteria: Invitae Variant Classification Sherloc (09022015). Collection method: clinical testing. Allele origin: germline. Not counted in ClinVar's aggregate classification.

NM_001754.5(RUNX1):c.627A>G (p.Lys209=)

Gene: RUNX1 (RUNX family transcription factor 1; minus strand). Cytogenetic location: 21q22.12.
Variant type: single nucleotide variant.
Coding change: c.627A>G on transcript NM_001754.5 (MANE Select); coding-DNA position 627, A replaced by G.
Protein change: p.Lys209=; no amino-acid change (lysine 209 retained).
Molecular consequence: synonymous variant.
Genome position (GRCh38, 1-based): chr21:34,834,588, T>C on the plus strand (A>G on the coding strand, the complement: RUNX1 is on the minus strand). VCF-style: chr21-34834588-T-C. GRCh37 (hg19) VCF-style: chr21-36206885-T-C.
Other names: NM_001754.5(RUNX1):c.627A>G; p.Lys209=; c.546A>G, p.Lys182= (NM_001001890.3, NM_001122607.2); c.627A>G (NM_001754.4).
Identifiers: ClinVar variation 1550333 (VCV001550333.10), dbSNP rs1419013956, ClinGen allele CA512318711.